The following is an entry in ClinVar:

NM_183050.4(BCKDHB):c.93_103dup (p.Phe35fs)

Gene: BCKDHB (branched chain keto acid dehydrogenase E1 subunit beta; plus strand). Cytogenetic location: 6q14.1.
Variant type: Microsatellite.
Coding change: c.93_103dup on transcript NM_183050.4 (MANE Select); coding-DNA positions 93 to 103, 11 bases duplicated (GGCGCGGGGCT).
Protein change: p.Phe35fs; shifts the reading frame from phenylalanine 35.
Molecular consequence: frameshift variant. On other transcripts: non-coding transcript variant (1), intron variant (1).
Genome position (GRCh38, 1-based): chr6:80,106,786-80,106,796, GGCGCGGGGCT duplicated; duplicating any 11 consecutive bases within chr6:80,106,773-80,106,796 gives the same sequence; the c. name uses the placement nearest the transcript's 3' end. VCF-style (leftmost placement, unchanged base first): chr6-80106772-C-CCTGGCGCGGGG. GRCh37 (hg19) VCF-style: chr6-80816489-C-CCTGGCGCGGGG.
Other names: c.90_100dup (NM_183050.3); c.93_103dup (NM_183050.3); c.93_103dupGGCGCGGGGCT (NM_183050.3); c.93_103dup, p.Phe35fs (NM_000056.5); c.-15+90CTGGCGCGGGG[3] (NM_001318975.1); short protein forms F35fs.
Identifiers: ClinVar variation 189101 (VCV000189101.28), dbSNP rs398124601, ClinGen allele CA274380.

ClinVar aggregate classification (germline): Pathogenic/Likely pathogenic. Review status: criteria provided, multiple submitters, no conflicts (2 of 4 stars). 9 submissions from 9 submitters: Pathogenic (7); Likely pathogenic (1). 1 of the submissions does not count toward it. Last evaluated 2025-07-28.

Conditions:
Maple syrup urine disease type 1A (MSUD1A). Also called: MSUD type 1A. Identifiers: MedGen C1855369, MONDO:0023691, OMIM 248600.
Maple syrup urine disease type 1B (MSUD1B). Also called: MSUD type IB; MSUD type 3 (formerly); MSUD due to deficiency of e1-beta subunit of branched-chain alpha-keto acid dehydrogenase complex. Identifiers: MedGen C2930990, MONDO:0023692, OMIM 620698.
Maple syrup urine disease (MSUD). Identifiers: Orphanet 511, MedGen C0024776, MeSH D008375, MONDO:0009563. Disease mechanism: loss of function.

Submissions (9):

Natera, Inc.
Classification: Pathogenic for Maple syrup urine disease type 1B. Last evaluated: 2025-07-28. Review status: criteria provided, single submitter. Criteria: Natera Variant Classification Schema (03/2026). Collection method: clinical testing. Allele origin: germline.
Comment: The c.93_103dupGGCGCGGGGCT variant in BCKDHB is a frameshift variant predicted to shift the reading frame beginning at codon 35 and leads to a stop codon 41 codons downstream. This variant is expected to result in nonsense mediated decay, truncation, or a dysfunctional protein product. This variant is rare in the general population with a frequency below the threshold expected for the associated phenotype(s). This variant has been observed in one or more individuals affected with the associated recessive disease, as either homozygous or compound heterozygous with a second variant (PMID: 16786533). Given the available evidence, this variant is classified as Pathogenic.

Labcorp Genetics (formerly Invitae), Labcorp
Classification: Pathogenic for Maple syrup urine disease. Last evaluated: 2025-06-23. Review status: criteria provided, single submitter. Criteria: Invitae Variant Classification Sherloc (09022015). Collection method: clinical testing. Allele origin: germline.
Comment: This sequence change creates a premature translational stop signal (p.Phe35Trpfs*41) in the BCKDHB gene. It is expected to result in an absent or disrupted protein product. Loss-of-function variants in BCKDHB are known to be pathogenic (PMID: 16786533, 22593002). This variant is not present in population databases (gnomAD no frequency). This premature translational stop signal has been observed in individual(s) with maple syrup urine disease (PMID: 16786533, 29307017). In at least one individual the data is consistent with being in trans (on the opposite chromosome) from a pathogenic variant. This variant is also known as c.92_102dup11. ClinVar contains an entry for this variant (Variation ID: 189101). For these reasons, this variant has been classified as Pathogenic.

Fulgent Genetics
Classification: Pathogenic for Maple syrup urine disease type 1B. Last evaluated: 2024-05-31. Review status: criteria provided, single submitter. Criteria: ACMG Guidelines, 2015. Collection method: clinical testing. Allele origin: germline.

Baylor Genetics
Classification: Pathogenic for Maple syrup urine disease type 1A. Last evaluated: 2023-06-01. Review status: criteria provided, single submitter. Criteria: ACMG Guidelines, 2015. Collection method: clinical testing. Allele origin: unknown.

Genome-Nilou Lab
Classification: Likely pathogenic for Maple syrup urine disease type 1A. Last evaluated: 2021-11-07. Review status: criteria provided, single submitter. Criteria: ACMG Guidelines, 2015. Collection method: clinical testing. Allele origin: germline. Affected: no.

Revvity Omics, Revvity
Classification: Pathogenic for Maple syrup urine disease type 1A. Last evaluated: 2021-05-01. Review status: criteria provided, single submitter. Criteria: ACMG Guidelines, 2015. Collection method: clinical testing. Allele origin: germline.

Women's Health and Genetics/Laboratory Corporation of America, LabCorp
Classification: Pathogenic for Maple syrup urine disease type 1B. Last evaluated: 2020-07-27. Review status: criteria provided, single submitter. Criteria: LabCorp Variant Classification Summary - May 2015. Collection method: clinical testing. Allele origin: germline.
Comment: Variant summary: BCKDHB c.93_103dup11 (p.Phe35TrpfsX41) results in a premature termination codon, predicted to cause a truncation of the encoded protein or absence of the protein due to nonsense mediated decay, which are commonly known mechanisms for disease. Truncations downstream of this position have been classified as pathogenic by our laboratory. The variant was absent in 198414 control chromosomes (gnomAD). c.93_103dup11 has been reported in the literature in individuals affected with Maple Syrup Urine Disease (Rodr-guez-Pombo_2006, Cheng_2017, Li_2018). These data indicate that the variant may be associated with disease. At least one publication reports experimental evidence evaluating an impact on protein function. The most pronounced variant effect results in 10%-<30% of normal BCKD activity (Rodr-guez-Pombo_2006). One ClinVar submitter (evaluation after 2014) cites the variant as pathogenic. Based on the evidence outlined above, the variant was classified as pathogenic.

Juno Genomics, Hangzhou Juno Genomics, Inc
Classification: Pathogenic for Maple syrup urine disease type 1B. Review status: criteria provided, single submitter. Criteria: ACMG Guidelines, 2015. Collection method: clinical testing. Allele origin: germline.
Comment: Absent from controls (or at extremely low frequency if recessive) in Genome Aggregation Database.;Null variant in a gene where loss of function (LOF) is a known mechanism of disease.;For recessive disorders, detected in trans with a pathogenic variant.;Patient's phenotype or family history is highly specific for a disease with a single genetic etiology.

Counsyl
Classification: Likely pathogenic for Maple syrup urine disease. Last evaluated: 2014-12-23. Review status: no assertion criteria provided. Collection method: literature only. Allele origin: unknown. Inheritance: Autosomal recessive inheritance. Not counted in ClinVar's aggregate classification.

Literature cited by the submitters: PubMed 16786533 (cited by 4 submitters); PubMed 22593002 (cited by Labcorp Genetics (formerly Invitae), Labcorp); PubMed 29307017 (cited by Labcorp Genetics (formerly Invitae), Labcorp and Women's Health and Genetics/Laboratory Corporation of America, LabCorp); PubMed 28830848 (cited by Women's Health and Genetics/Laboratory Corporation of America, LabCorp).